The following is an entry in ClinVar:

NM_001384732.1(CPLANE1):c.5590A>C (p.Lys1864Gln)

Gene: CPLANE1 (ciliogenesis and planar polarity effector complex subunit 1; minus strand). Cytogenetic location: 5p13.2.
Variant type: single nucleotide variant.
Coding change: c.5590A>C on transcript NM_001384732.1 (MANE Select); coding-DNA position 5590, A replaced by C.
Protein change: p.Lys1864Gln; replaces lysine 1864 with glutamine.
Molecular consequence: missense variant.
Genome position (GRCh38, 1-based): chr5:37,180,164, T>G on the plus strand (A>C on the coding strand, the complement: CPLANE1 is on the minus strand). VCF-style: chr5-37180164-T-G. GRCh37 (hg19) VCF-style: chr5-37180266-T-G.
Other names: c.5590A>C, p.Lys1864Gln (NM_023073.4); short protein forms K1864Q.
Identifiers: ClinVar variation 1347318 (VCV001347318.6), dbSNP rs1782268265, ClinGen allele CA359490559.

ClinVar aggregate classification (germline): Uncertain significance (1 of 4 stars; one submission).

Submission:

Labcorp Genetics (formerly Invitae), Labcorp
Classification: Uncertain significance. Last evaluated: 2021-09-09. Review status: criteria provided, single submitter. Criteria: Invitae Variant Classification Sherloc (09022015). Collection method: clinical testing. Allele origin: germline.
Comment: This sequence change replaces lysine with glutamine at codon 1864 of the CPLANE1 protein (p.Lys1864Gln). The lysine residue is weakly conserved and there is a small physicochemical difference between lysine and glutamine. This variant is not present in population databases (ExAC no frequency). This variant has not been reported in the literature in individuals affected with CPLANE1-related conditions. Advanced modeling of protein sequence and biophysical properties (such as structural, functional, and spatial information, amino acid conservation, physicochemical variation, residue mobility, and thermodynamic stability) performed at Invitae indicates that this missense variant is not expected to disrupt CPLANE1 protein function. In summary, the available evidence is currently insufficient to determine the role of this variant in disease. Therefore, it has been classified as a Variant of Uncertain Significance.